The following is an entry in ClinVar:

ClinVar aggregate classification (germline): Uncertain significance. Review status: criteria provided, multiple submitters, no conflicts (2 of 4 stars). 2 submissions from 2 submitters: Uncertain significance (2). Last evaluated 2025-10-12.

Conditions:
Cardiovascular phenotype. Identifiers: MedGen CN230736.
Brugada syndrome. Also called: Sudden unexpected nocturnal death syndrome; Sudden unexplained nocturnal death syndrome; Sudden Unexplained Death Syndrome; Sudden Unexplained Nocturnal Death Syndrome (SUNDS). Identifiers: Orphanet 130, MedGen C1142166, MONDO:0015263.

Allele frequency attached by ClinVar (database versions not stated): gnomAD exomes below 0.00001; ExAC 0.00001; ESP Exome Variant Server 0.00008.
gnomAD v4.1: 3 of 1,614,210 alleles (0.00019%); highest among the groups gnomAD compares: Non-Finnish European, 0.00025%; no homozygotes.

Submissions (2):

Ambry Genetics
Classification: Uncertain significance for Cardiovascular phenotype. Last evaluated: 2025-10-12. Review status: criteria provided, single submitter. Criteria: Ambry Variant Classification Scheme 2023. Collection method: clinical testing. Allele origin: germline.
Comment: The p.N815D variant (also known as c.2443A>G), located in coding exon 15 of the SCN10A gene, results from an A to G substitution at nucleotide position 2443. The asparagine at codon 815 is replaced by aspartic acid, an amino acid with highly similar properties. This amino acid position is conserved. In addition, this alteration is predicted to be tolerated by in silico analysis. Based on the available evidence, the clinical significance of this variant remains unclear.

Labcorp Genetics (formerly Invitae), Labcorp
Classification: Uncertain significance for Brugada syndrome. Last evaluated: 2022-02-24. Review status: criteria provided, single submitter. Criteria: Invitae Variant Classification Sherloc (09022015). Collection method: clinical testing. Allele origin: germline.
Comment: This sequence change replaces asparagine, which is neutral and polar, with aspartic acid, which is acidic and polar, at codon 815 of the SCN10A protein (p.Asn815Asp). This variant is present in population databases (rs148748248, gnomAD 0.0009%). This variant has not been reported in the literature in individuals affected with SCN10A-related conditions. Advanced modeling of protein sequence and biophysical properties (such as structural, functional, and spatial information, amino acid conservation, physicochemical variation, residue mobility, and thermodynamic stability) performed at Invitae indicates that this missense variant is not expected to disrupt SCN10A protein function. In summary, the available evidence is currently insufficient to determine the role of this variant in disease. Therefore, it has been classified as a Variant of Uncertain Significance.

NM_006514.4(SCN10A):c.2443A>G (p.Asn815Asp)

Gene: SCN10A (sodium voltage-gated channel alpha subunit 10; minus strand). Cytogenetic location: 3p22.2.
Variant type: single nucleotide variant.
Coding change: c.2443A>G on transcript NM_006514.4 (MANE Select); coding-DNA position 2443, A replaced by G.
Protein change: p.Asn815Asp; replaces asparagine 815 with aspartic acid.
Molecular consequence: missense variant.
Genome position (GRCh38, 1-based): chr3:38,728,739, T>C on the plus strand (A>G on the coding strand, the complement: SCN10A is on the minus strand). VCF-style: chr3-38728739-T-C. GRCh37 (hg19) VCF-style: chr3-38770230-T-C.
Other names: c.2443A>G (NM_006514.2); c.2443A>G, p.Asn815Asp (NM_001293306.2); c.2149A>G, p.Asn717Asp (NM_001293307.2); short protein forms N815D, N717D.
Identifiers: ClinVar variation 1346861 (VCV001346861.7), dbSNP rs148748248, ClinGen allele CA2320542.